The following is an entry in ClinVar:

ClinVar aggregate classification (germline): Uncertain significance (1 of 4 stars; one submission).

Allele frequency attached by ClinVar (database versions not stated): gnomAD exomes below 0.00001.
gnomAD v4.1: 1 of 1,211,157 alleles (0.000083%); highest among the groups gnomAD compares: African/African-American, 0.0017%; no homozygotes.

Submission:

Labcorp Genetics (formerly Invitae), Labcorp
Classification: Uncertain significance. Last evaluated: 2023-08-31. Review status: criteria provided, single submitter. Criteria: Invitae Variant Classification Sherloc (09022015). Collection method: clinical testing. Allele origin: germline.
Comment: In summary, the available evidence is currently insufficient to determine the role of this variant in disease. Therefore, it has been classified as a Variant of Uncertain Significance. An algorithm developed to predict the effect of missense changes on protein structure and function (PolyPhen-2) suggests that this variant is likely to be tolerated. ClinVar contains an entry for this variant (Variation ID: 1023134). This variant has not been reported in the literature in individuals affected with NEXMIF-related conditions. This variant is not present in population databases (gnomAD no frequency). This sequence change replaces glycine, which is neutral and non-polar, with alanine, which is neutral and non-polar, at codon 1384 of the NEXMIF protein (p.Gly1384Ala).

NM_001008537.3(NEXMIF):c.4151G>C (p.Gly1384Ala)

Gene: NEXMIF (neurite extension and migration factor; minus strand). Cytogenetic location: Xq13.3.
Variant type: single nucleotide variant.
Coding change: c.4151G>C on transcript NM_001008537.3 (MANE Select); coding-DNA position 4151, G replaced by C.
Protein change: p.Gly1384Ala; replaces glycine 1384 with alanine.
Molecular consequence: missense variant.
Genome position (GRCh38, 1-based): chrX:74,740,406, C>G on the plus strand (G>C on the coding strand, the complement: NEXMIF is on the minus strand). VCF-style: chrX-74740406-C-G. GRCh37 (hg19) VCF-style: chrX-73960241-C-G.
Other names: short protein forms G1384A.
Identifiers: ClinVar variation 1023134 (VCV001023134.8), dbSNP rs867540263, ClinGen allele CA331301695.